The following is an entry in ClinVar:

NM_182643.3(DLC1):c.2221AGC[6] (p.Ser745_Gln746insSer)

Gene: DLC1 (DLC1 Rho GTPase activating protein; minus strand). Cytogenetic location: 8p22.
Variant type: Microsatellite.
Coding change: c.2221AGC[6] on transcript NM_182643.3 (MANE Select); six copies in a row of the 3-base unit AGC starting at c.2221; the reference has five copies in a row; one copy, 3 bases duplicated.
Protein change: p.Ser745_Gln746insSer.
Genome position (GRCh38, 1-based): chr8:13,100,102-13,100,104, GCT duplicated on the plus strand (AGC on the coding strand, the reverse complement: DLC1 is on the minus strand); duplicating any 3 consecutive bases within chr8:13,100,102-13,100,117 gives the same sequence; the position shown is the placement nearest the transcript's 3' end. VCF-style (leftmost placement, unchanged base first): chr8-13100101-G-GGCT. GRCh37 (hg19) VCF-style: chr8-12957610-G-GGCT.
Other names: c.688AGC[6], p.Ser234_Gln235insSer (NM_001164271.2, NM_001348082.2, NM_001348083.1 and 6 more transcripts); c.1012AGC[6], p.Ser342_Gln343insSer (NM_001316668.2, NM_001413129.1); c.2221AGC[6], p.Ser745_Gln746insSer (NM_001348081.2, NM_001413124.1); c.1003AGC[6], p.Ser339_Gln340insSer (NM_001413130.1); c.661AGC[6], p.Ser225_Gln226insSer (NM_001413131.1, NM_001413137.1); c.1147AGC[6], p.Ser387_Gln388insSer (NM_001413132.1); c.910AGC[6], p.Ser308_Gln309insSer (NM_001413135.1, NM_001413136.1, NM_001413139.1 and 1 more transcripts); c.1045AGC[6], p.Ser353_Gln354insSer (NM_001413140.1).
Identifiers: ClinVar variation 3698471 (VCV003698471.2).
Genomic context (GRCh38, chr8:13,100,101, plus strand): 5'-TGAGGCTCCGGGTCCTCGTAACAGGGCTGGGCGTGCTGACCGCGCTGCTGGTCTCCGACT[G>GGCT]GCTGCTGCTGCTGCTGGTCTGCGTGGAGTTGGAAACGCTCCTCTTTCGTACCATGGGGAC-3'

ClinVar aggregate classification (germline): Uncertain significance (1 of 4 stars; one submission).

Submission:

Labcorp Genetics (formerly Invitae), Labcorp
Classification: Uncertain significance. Last evaluated: 2024-11-11. Review status: criteria provided, single submitter. Criteria: Invitae Variant Classification Sherloc (09022015). Collection method: clinical testing. Allele origin: germline.
Comment: This variant, c.2233_2235dup, results in the insertion of 1 amino acid(s) of the DLC1 protein (p.Ser745dup), but otherwise preserves the integrity of the reading frame. This variant is present in population databases (rs745727395, gnomAD 0.01%). This variant has not been reported in the literature in individuals affected with DLC1-related conditions. Experimental studies and prediction algorithms are not available or were not evaluated, and the functional significance of this variant is currently unknown. In summary, the available evidence is currently insufficient to determine the role of this variant in disease. Therefore, it has been classified as a Variant of Uncertain Significance.